The following is an entry in ClinVar:

NM_005477.3(HCN4):c.2842G>A (p.Ala948Thr)

Gene: HCN4 (hyperpolarization activated cyclic nucleotide gated potassium channel 4; minus strand). Cytogenetic location: 15q24.1.
Variant type: single nucleotide variant.
Coding change: c.2842G>A on transcript NM_005477.3 (MANE Select); coding-DNA position 2842, G replaced by A.
Protein change: p.Ala948Thr; replaces alanine 948 with threonine.
Molecular consequence: missense variant.
Genome position (GRCh38, 1-based): chr15:73,323,251, C>T on the plus strand (G>A on the coding strand, the complement: HCN4 is on the minus strand). VCF-style: chr15-73323251-C-T. GRCh37 (hg19) VCF-style: chr15-73615592-C-T.
Other names: short protein forms A948T.
Identifiers: ClinVar variation 3702970 (VCV003702970.2).

ClinVar aggregate classification (germline): Uncertain significance (1 of 4 stars; one submission).

Conditions:
Brugada syndrome 8 (BRGDA8). Identifiers: Orphanet 130, MedGen C2751083, MONDO:0013148, OMIM 613123.

gnomAD v4.1: 6 of 1,523,324 alleles (0.00039%); highest among the groups gnomAD compares: African/African-American, 0.0014%; no homozygotes.

Submission:

Labcorp Genetics (formerly Invitae), Labcorp
Classification: Uncertain significance for Brugada syndrome 8. Last evaluated: 2025-10-14. Review status: criteria provided, single submitter. Criteria: Invitae Variant Classification Sherloc (09022015). Collection method: clinical testing. Allele origin: germline.
Comment: This sequence change replaces alanine, which is neutral and non-polar, with threonine, which is neutral and polar, at codon 948 of the HCN4 protein (p.Ala948Thr). This variant is not present in population databases (gnomAD no frequency). This variant has not been reported in the literature in individuals affected with HCN4-related conditions. ClinVar contains an entry for this variant (Variation ID: 3702970). Invitae Evidence Modeling of protein sequence and biophysical properties (such as structural, functional, and spatial information, amino acid conservation, physicochemical variation, residue mobility, and thermodynamic stability) indicates that this missense variant is not expected to disrupt HCN4 protein function with a negative predictive value of 95%. In summary, the available evidence is currently insufficient to determine the role of this variant in disease. Therefore, it has been classified as a Variant of Uncertain Significance.